The following is an entry in ClinVar:

NM_001395426.1(PDE4DIP):c.835-7142T>G

Gene: PDE4DIP (phosphodiesterase 4D interacting protein; plus strand). Cytogenetic location: 1q21.2.
Variant type: single nucleotide variant.
Coding change: c.835-7142T>G on transcript NM_001395426.1 (MANE Select); 7142 bases into the intron before coding-DNA position 835, T replaced by G.
Molecular consequence: intron variant. On other transcripts: synonymous variant (7).
Genome position (GRCh38, 1-based): chr1:148,953,512, T>G. VCF-style: chr1-148953512-T-G. GRCh37 (hg19) VCF-style: chr1-144930977-A-C.
Other names: c.1048-7142T>G (NM_001395303.1, NM_001395307.1, NM_001395316.1 and 4 more transcripts); c.937-7142T>G (NM_001395300.1, NM_001395302.1); c.787-7142T>G (NM_001395319.1); c.541-7142T>G (NM_001395322.1); c.835-7142T>G (NM_001350522.3, NM_001395305.1, NM_001395304.1 and 11 more transcripts); c.724-7142T>G (NM_001395313.1, NM_001395321.1); c.637-7142T>G (NM_014644.7, NM_001198834.5, NM_001002812.4); c.-4+1358T>G (NM_001395323.1, NM_001395324.1); and 1 more.
Identifiers: ClinVar variation 2639078 (VCV002639078.24), dbSNP rs143410813, ClinGen allele CA1048030.
Genomic context (GRCh38, chr1:148,953,512, plus strand): 5'-AAAGGTACCCCCAGATGGAGAAAGCATGGAGGAAGAGACGCCTGGTTCCTCTGTGGAATC[T>G]TTGGATGCAAGCGTCCAGGCTAGCCCTCCACAACAGAAAGATGAGGAGACTGAGAGAAGT-3'

ClinVar aggregate classification (germline): Likely benign (1 of 4 stars; one submission).

Allele frequency attached by ClinVar (database versions not stated): 1000 Genomes Project 30x 0.00172; 1000 Genomes Project 0.00180; gnomAD 0.00299; ESP Exome Variant Server 0.00300.
gnomAD v4.1: 5,907 of 1,613,870 alleles (0.37%); highest among the groups gnomAD compares: Middle Eastern, 1.3%; 9 homozygotes.

Submission:

CeGaT Center for Human Genetics Tuebingen
Classification: Likely benign. Last evaluated: 2023-04-01. Review status: criteria provided, single submitter. Criteria: CeGaT Center For Human Genetics Tuebingen Variant Classification Criteria Version 2. Collection method: clinical testing. Allele origin: germline. Affected: yes. Observed: 1 variant allele.
Comment: PDE4DIP: BP4, BP7